The following is an entry in ClinVar:

NM_006618.5(KDM5B):c.3813G>A (p.Ser1271=)

Gene: KDM5B (lysine demethylase 5B; minus strand). Cytogenetic location: 1q32.1.
Variant type: single nucleotide variant.
Coding change: c.3813G>A on transcript NM_006618.5 (MANE Select); coding-DNA position 3813, G replaced by A.
Protein change: p.Ser1271=; no amino-acid change (serine 1271 retained).
Molecular consequence: synonymous variant.
Genome position (GRCh38, 1-based): chr1:202,733,497, C>T on the plus strand (G>A on the coding strand, the complement: KDM5B is on the minus strand). VCF-style: chr1-202733497-C-T. GRCh37 (hg19) VCF-style: chr1-202702625-C-T.
Other names: c.3921G>A, p.Ser1307= (NM_001314042.2); c.3678G>A, p.Ser1226= (NM_001347591.2); c.3798G>A, p.Ser1266= (NM_001399817.1).
Identifiers: ClinVar variation 2639793 (VCV002639793.24), dbSNP rs185116953, ClinGen allele CA1334113.

ClinVar aggregate classification (germline): Likely benign (1 of 4 stars; one submission).

Allele frequency attached by ClinVar (database versions not stated): gnomAD 0.00013; TOPMed 0.00013; 1000 Genomes Project 0.00140; 1000 Genomes Project 30x 0.00156.
gnomAD v4.1: 156 of 1,614,124 alleles (0.0097%); highest among the groups gnomAD compares: East Asian, 0.17%; 3 homozygotes.

Submission:

CeGaT Center for Human Genetics Tuebingen
Classification: Likely benign. Last evaluated: 2026-06-01. Review status: criteria provided, single submitter. Criteria: CeGaT Center For Human Genetics Tuebingen Variant Classification Criteria Version 2. Collection method: clinical testing. Allele origin: germline. Affected: yes. Observed: 3 variant alleles.
Comment: KDM5B: BP4, BP7